The following is an entry in ClinVar:

ClinVar aggregate classification (germline): Uncertain significance (1 of 4 stars; one submission).

Submission:

Ambry Genetics
Classification: Uncertain significance. Last evaluated: 2026-09-06. Review status: criteria provided, single submitter. Criteria: Ambry Variant Classification Scheme 2023. Collection method: clinical testing. Allele origin: germline.
Comment: The p.C133S variant (also known as c.397T>A), located in coding exon 1 of the MLH3 gene, results from a T to A substitution at nucleotide position 397. The cysteine at codon 133 is replaced by serine, an amino acid with dissimilar properties. This amino acid position is conserved. In addition, this alteration is predicted to be tolerated by in silico analysis. Based on the available evidence, the clinical significance of this variant remains unclear.

NM_001040108.2(MLH3):c.397T>A (p.Cys133Ser)

Gene: MLH3 (mutL homolog 3; minus strand). Cytogenetic location: 14q24.3.
Variant type: single nucleotide variant.
Coding change: c.397T>A on transcript NM_001040108.2 (MANE Select); coding-DNA position 397, T replaced by A.
Protein change: p.Cys133Ser; replaces cysteine 133 with serine.
Molecular consequence: missense variant.
Genome position (GRCh38, 1-based): chr14:75,049,259, A>T on the plus strand (T>A on the coding strand, the complement: MLH3 is on the minus strand). VCF-style: chr14-75049259-A-T. GRCh37 (hg19) VCF-style: chr14-75515962-A-T.
Other names: c.397T>A, p.Cys133Ser (NM_014381.3); short protein forms C133S.
Identifiers: ClinVar variation 5024647 (VCV005024647.1).
Genomic context (GRCh38, chr14:75,049,259, plus strand): 5'-AAAATAGGTTATACACTGTTACAGTAGTCCCAGCGCTTGCTCTAGTCACATCAGCTTCAC[A>T]AGCTTTCAGGGCTTTTCCACTCTGAAACAGTTTCACAAAAGTTTTCATTGTCCTGTTTTT-3'
Protein context (NP_001035197.1, residues 123-143): LFQSGKALKA[Cys133Ser]EADVTRASAG